The following is an entry in ClinVar:

ClinVar aggregate classification (germline): Conflicting classifications of pathogenicity. Review status: criteria provided, conflicting classifications (1 of 4 stars). 3 submissions from 3 submitters: Uncertain significance (2); Likely benign (1). Last evaluated 2025-11-23.

Conditions:
Hereditary cancer-predisposing syndrome. Also called: Hereditary neoplastic syndrome; Neoplastic Syndromes, Hereditary; Tumor predisposition; Hereditary Cancer Syndrome. Identifiers: Orphanet 140162, MedGen C0027672, MeSH D009386, MONDO:0015356.
Fanconi anemia complementation group J. Also called: BRIP1-Related Fanconi Anemia. Identifiers: Orphanet 84, MedGen C1836860, MONDO:0012187, OMIM 609054.
Familial cancer of breast. Also called: BREAST CANCER, FAMILIAL; hereditary breast carcinoma; Hereditary breast cancer. Identifiers: Orphanet 227535, MedGen C0346153, MONDO:0016419, OMIM 114480. Disease mechanism: loss of function.

Allele frequency attached by ClinVar (database versions not stated): gnomAD exomes below 0.00001.
gnomAD v4.1: 1 of 1,614,156 alleles (0.000062%); highest among the groups gnomAD compares: Non-Finnish European, 0.000085%; no homozygotes.

Submissions (3):

Labcorp Genetics (formerly Invitae), Labcorp
Classification: Uncertain significance for Familial cancer of breast; Fanconi anemia complementation group J. Last evaluated: 2025-11-23. Review status: criteria provided, single submitter. Criteria: Invitae Variant Classification Sherloc (09022015). Collection method: clinical testing. Allele origin: germline.
Comment: This sequence change replaces serine, which is neutral and polar, with leucine, which is neutral and non-polar, at codon 580 of the BRIP1 protein (p.Ser580Leu). This variant is present in population databases (no rsID available, gnomAD 0.0009%). This variant has not been reported in the literature in individuals affected with BRIP1-related conditions. ClinVar contains an entry for this variant (Variation ID: 461081). Invitae Evidence Modeling of protein sequence and biophysical properties (such as structural, functional, and spatial information, amino acid conservation, physicochemical variation, residue mobility, and thermodynamic stability) indicates that this missense variant is not expected to disrupt BRIP1 protein function with a negative predictive value of 95%. In summary, the available evidence is currently insufficient to determine the role of this variant in disease. Therefore, it has been classified as a Variant of Uncertain Significance.

Ambry Genetics
Classification: Likely benign for Hereditary cancer-predisposing syndrome. Last evaluated: 2025-08-27. Review status: criteria provided, single submitter. Criteria: Ambry Variant Classification Scheme 2023. Collection method: clinical testing. Allele origin: germline.

Color Diagnostics, LLC DBA Color Health
Classification: Uncertain significance for Hereditary cancer-predisposing syndrome. Last evaluated: 2019-09-27. Review status: criteria provided, single submitter. Criteria: ACMG Guidelines, 2015. Collection method: clinical testing. Allele origin: germline.
Comment: This missense variant replaces serine with leucine at codon 580 of the BRIP1 protein. Computational prediction tool suggests that this variant may not impact protein structure and function (internally defined REVEL score threshold ≤0.5, PMID: 27666373). Splice site prediction tools suggest that this variant may not impact RNA splicing. To our knowledge, functional studies have not been performed for this variant. This variant has not been reported in individuals affected with hereditary cancer in the literature. This variant has been identified in 1/251448 chromosomes in the general population by the Genome Aggregation Database (gnomAD). The available evidence is insufficient to determine the role of this variant in disease conclusively. Therefore, this variant is classified as a Variant of Uncertain Significance.

NM_032043.3(BRIP1):c.1739C>T (p.Ser580Leu)

Gene: BRIP1 (BRCA1 interacting DNA helicase 1; minus strand). Cytogenetic location: 17q23.2.
Variant type: single nucleotide variant.
Coding change: c.1739C>T on transcript NM_032043.3 (MANE Select); coding-DNA position 1739, C replaced by T.
Protein change: p.Ser580Leu; replaces serine 580 with leucine.
Molecular consequence: missense variant.
Genome position (GRCh38, 1-based): chr17:61,780,895, G>A on the plus strand (C>T on the coding strand, the complement: BRIP1 is on the minus strand). VCF-style: chr17-61780895-G-A. GRCh37 (hg19) VCF-style: chr17-59858256-G-A.
Other names: short protein forms S580L.
Identifiers: ClinVar variation 461081 (VCV000461081.14), dbSNP rs1356014648, ClinGen allele CA400480351.